The following is an entry in ClinVar:

ClinVar aggregate classification (germline): Uncertain significance (1 of 4 stars; one submission).

Allele frequency attached by ClinVar (database versions not stated): gnomAD exomes below 0.00001.
gnomAD v4.1: 1 of 1,614,136 alleles (0.000062%); highest among the groups gnomAD compares: Non-Finnish European, 0.000085%; no homozygotes.

Submission:

Labcorp Genetics (formerly Invitae), Labcorp
Classification: Uncertain significance. Last evaluated: 2023-10-22. Review status: criteria provided, single submitter. Criteria: Invitae Variant Classification Sherloc (09022015). Collection method: clinical testing. Allele origin: germline.
Comment: This sequence change replaces leucine, which is neutral and non-polar, with phenylalanine, which is neutral and non-polar, at codon 443 of the PPP2R5D protein (p.Leu443Phe). This variant is not present in population databases (gnomAD no frequency). This variant has not been reported in the literature in individuals affected with PPP2R5D-related conditions. An algorithm developed to predict the effect of missense changes on protein structure and function (PolyPhen-2) suggests that this variant is likely to be disruptive. In summary, the available evidence is currently insufficient to determine the role of this variant in disease. Therefore, it has been classified as a Variant of Uncertain Significance.

NM_006245.4(PPP2R5D):c.1327C>T (p.Leu443Phe)

Gene: PPP2R5D (protein phosphatase 2 regulatory subunit B'delta; plus strand). Cytogenetic location: 6p21.1.
Variant type: single nucleotide variant.
Coding change: c.1327C>T on transcript NM_006245.4 (MANE Select); coding-DNA position 1327, C replaced by T.
Protein change: p.Leu443Phe; replaces leucine 443 with phenylalanine.
Molecular consequence: missense variant.
Genome position (GRCh38, 1-based): chr6:43,009,397, C>T. VCF-style: chr6-43009397-C-T. GRCh37 (hg19) VCF-style: chr6-42977135-C-T.
Other names: c.874C>T, p.Leu292Phe (NM_001270476.2); c.1231C>T, p.Leu411Phe (NM_180976.3); c.1009C>T, p.Leu337Phe (NM_180977.3); short protein forms L337F, L411F, L443F, L292F.
Identifiers: ClinVar variation 2770961 (VCV002770961.3), dbSNP rs2532485343, ClinGen allele CA364194592.